The following is an entry in ClinVar:

ClinVar aggregate classification (germline): Uncertain significance (1 of 4 stars; one submission).

Conditions:
Fanconi anemia (FA). Also called: Fanconi's anemia. Identifiers: Orphanet 84, MedGen C0015625, MeSH D005199, MONDO:0019391.

Submission:

Labcorp Genetics (formerly Invitae), Labcorp
Classification: Uncertain significance for Fanconi anemia. Last evaluated: 2021-10-31. Review status: criteria provided, single submitter. Criteria: Invitae Variant Classification Sherloc (09022015). Collection method: clinical testing. Allele origin: germline.
Comment: In summary, the available evidence is currently insufficient to determine the role of this variant in disease. Therefore, it has been classified as a Variant of Uncertain Significance. Algorithms developed to predict the effect of missense changes on protein structure and function output the following: SIFT: "Tolerated"; PolyPhen-2: "Benign"; Align-GVGD: "Class C0". The asparagine amino acid residue is found in multiple mammalian species, which suggests that this missense change does not adversely affect protein function. This variant has not been reported in the literature in individuals affected with FANCM-related conditions. This variant is not present in population databases (gnomAD no frequency). This sequence change replaces lysine, which is basic and polar, with asparagine, which is neutral and polar, at codon 439 of the FANCM protein (p.Lys439Asn).

NM_020937.4(FANCM):c.1317A>C (p.Lys439Asn)

Gene: FANCM (FA complementation group M; plus strand). Cytogenetic location: 14q21.2.
Variant type: single nucleotide variant.
Coding change: c.1317A>C on transcript NM_020937.4 (MANE Select); coding-DNA position 1317, A replaced by C.
Protein change: p.Lys439Asn; replaces lysine 439 with asparagine.
Molecular consequence: missense variant.
Genome position (GRCh38, 1-based): chr14:45,155,380, A>C. VCF-style: chr14-45155380-A-C. GRCh37 (hg19) VCF-style: chr14-45624583-A-C.
Other names: c.1239A>C, p.Lys413Asn (NM_001308133.2); c.1317A>C, p.Lys439Asn (NM_001308134.2); short protein forms K413N, K439N.
Identifiers: ClinVar variation 1426298 (VCV001426298.6), dbSNP rs2139173806, ClinGen allele CA389592094.